The following is an entry in ClinVar:

ClinVar aggregate classification (germline): Uncertain significance (1 of 4 stars; one submission).

Conditions:
Early Myoclonic Encephalopathy. Identifiers: MedGen C0270855.

Allele frequency attached by ClinVar (database versions not stated): TOPMed below 0.00001; gnomAD exomes below 0.00001.
gnomAD v4.1: 1 of 1,614,078 alleles (0.000062%); highest among the groups gnomAD compares: Non-Finnish European, 0.000085%; no homozygotes.

Submission:

Labcorp Genetics (formerly Invitae), Labcorp
Classification: Uncertain significance for Early Myoclonic Encephalopathy. Last evaluated: 2020-03-17. Review status: criteria provided, single submitter. Criteria: Invitae Variant Classification Sherloc (09022015). Collection method: clinical testing. Allele origin: germline.
Comment: This variant is not present in population databases (ExAC no frequency). This sequence change replaces histidine with asparagine at codon 792 of the JMJD1C protein (p.His792Asn). The histidine residue is moderately conserved and there is a small physicochemical difference between histidine and asparagine. This variant has not been reported in the literature in individuals with JMJD1C-related conditions. Algorithms developed to predict the effect of missense changes on protein structure and function are either unavailable or do not agree on the potential impact of this missense change (SIFT: "Deleterious"; PolyPhen-2: "Probably Damaging"; Align-GVGD: "Class C0"). In summary, the available evidence is currently insufficient to determine the role of this variant in disease. Therefore, it has been classified as a Variant of Uncertain Significance.

NM_032776.3(JMJD1C):c.2374C>A (p.His792Asn)

Gene: JMJD1C (jumonji domain containing 1C; minus strand). Cytogenetic location: 10q21.3.
Variant type: single nucleotide variant.
Coding change: c.2374C>A on transcript NM_032776.3 (MANE Select); coding-DNA position 2374, C replaced by A.
Protein change: p.His792Asn; replaces histidine 792 with asparagine.
Molecular consequence: missense variant. On other transcripts: non-coding transcript variant (1).
Genome position (GRCh38, 1-based): chr10:63,213,793, G>T on the plus strand (C>A on the coding strand, the complement: JMJD1C is on the minus strand). VCF-style: chr10-63213793-G-T. GRCh37 (hg19) VCF-style: chr10-64973553-G-T.
Other names: c.1828C>A, p.His610Asn (NM_001282948.2, NM_001318154.2); c.1510C>A, p.His504Asn (NM_001318153.2); c.2260C>A, p.His754Asn (NM_001322252.2); c.1717C>A, p.His573Asn (NM_001322254.2, NM_001322258.2); short protein forms H504N, H573N, H610N, H754N, H792N.
Identifiers: ClinVar variation 1060029 (VCV001060029.9), dbSNP rs1334536056, ClinGen allele CA377045245.